The following is an entry in ClinVar:

NM_003640.5(ELP1):c.2243T>G (p.Leu748Arg)

Gene: ELP1 (elongator acetyltransferase complex subunit 1; minus strand). Cytogenetic location: 9q31.3.
Variant type: single nucleotide variant.
Coding change: c.2243T>G on transcript NM_003640.5 (MANE Select); coding-DNA position 2243, T replaced by G.
Protein change: p.Leu748Arg; replaces leucine 748 with arginine.
Molecular consequence: missense variant.
Genome position (GRCh38, 1-based): chr9:108,898,711, A>C on the plus strand (T>G on the coding strand, the complement: ELP1 is on the minus strand). VCF-style: chr9-108898711-A-C. GRCh37 (hg19) VCF-style: chr9-111660991-A-C.
Other names: c.1901T>G, p.Leu634Arg (NM_001318360.2); c.1196T>G, p.Leu399Arg (NM_001330749.2); c.2243T>G (LRG_251t1); short protein forms L399R, L748R, L634R.
Identifiers: ClinVar variation 641171 (VCV000641171.10), dbSNP rs1034776233, ClinGen allele CA197534037.

ClinVar aggregate classification (germline): Uncertain significance. Review status: criteria provided, multiple submitters, no conflicts (2 of 4 stars). 6 submissions from 6 submitters: Uncertain significance (5). 1 of the submissions does not count toward it. Last evaluated 2026-02-11.

Conditions:
Medulloblastoma (MDB). Also called: Medulloblastoma, somatic; MEDULLOBLASTOMA PREDISPOSITION SYNDROME. Identifiers: Orphanet 616, MedGen C0025149, MeSH D008527, MONDO:0007959, OMIM 155255, HP:0002885.
Familial dysautonomia. Also called: FD; HSAN III. Identifiers: Orphanet 1764, MedGen C0013364, MONDO:0009131, OMIM 223900. Disease mechanism: loss of function.

Allele frequency attached by ClinVar (database versions not stated): gnomAD 0.00001; TOPMed 0.00001; gnomAD exomes 0.00004.
gnomAD v4.1: 59 of 1,612,928 alleles (0.0037%); highest among the groups gnomAD compares: Non-Finnish European, 0.0042%; no homozygotes.

Submissions (6):

St. Jude Molecular Pathology, St. Jude Children's Research Hospital
Classification: Uncertain significance for Medulloblastoma. Last evaluated: 2026-02-11. Review status: criteria provided, single submitter. Criteria: St. Jude Assertion Criteria 2020. Collection method: clinical testing. Allele origin: germline.
Comment: The ELP1 c.2243T>G p.(Leu748Arg) missense change has a maximum subpopulation frequency of 0.03% in gnomAD v2.1.1. The in silico tool REVEL predicts a benign effect on protein function, but to our knowledge this prediction has not been confirmed by functional studies. To our knowledge, this variant has not been reported in individuals with medulloblastoma or familial dysautonomia. In summary, the evidence currently available is insufficient to determine the clinical significance of this variant. It has therefore been classified as of uncertain significance.

Blueprint Genetics
Classification: Uncertain significance. Last evaluated: 2023-07-14. Review status: criteria provided, single submitter. Criteria: ACMG Guidelines, 2015. Collection method: clinical testing. Allele origin: germline.

Labcorp Genetics (formerly Invitae), Labcorp
Classification: Uncertain significance. Last evaluated: 2022-02-24. Review status: criteria provided, single submitter. Criteria: Invitae Variant Classification Sherloc (09022015). Collection method: clinical testing. Allele origin: germline.
Comment: This sequence change replaces leucine, which is neutral and non-polar, with arginine, which is basic and polar, at codon 748 of the IKBKAP protein (p.Leu748Arg). This variant is present in population databases (no rsID available, gnomAD 0.03%). This variant has not been reported in the literature in individuals affected with IKBKAP-related conditions. ClinVar contains an entry for this variant (Variation ID: 641171). Algorithms developed to predict the effect of missense changes on protein structure and function are either unavailable or do not agree on the potential impact of this missense change (SIFT: "Tolerated"; PolyPhen-2: "Probably Damaging"; Align-GVGD: "Class C0"). In summary, the available evidence is currently insufficient to determine the role of this variant in disease. Therefore, it has been classified as a Variant of Uncertain Significance.

Fulgent Genetics
Classification: Uncertain significance for Medulloblastoma; Familial dysautonomia. Last evaluated: 2021-12-02. Review status: criteria provided, single submitter. Criteria: ACMG Guidelines, 2015. Collection method: clinical testing. Allele origin: unknown.

Ambry Genetics
Classification: Uncertain significance. Last evaluated: 2021-03-29. Review status: criteria provided, single submitter. Criteria: Ambry Variant Classification Scheme 2023. Collection method: clinical testing. Allele origin: germline.
Comment: The p.L748R variant (also known as c.2243T>G), located in coding exon 20 of the IKBKAP gene, results from a T to G substitution at nucleotide position 2243. The leucine at codon 748 is replaced by arginine, an amino acid with dissimilar properties. This amino acid position is highly conserved in available vertebrate species. In addition, the in silico prediction for this alteration is inconclusive. Since supporting evidence is limited at this time, the clinical significance of this alteration remains unclear.

Natera, Inc.
Classification: Uncertain significance for Familial dysautonomia. Last evaluated: 2020-09-16. Review status: no assertion criteria provided. Collection method: clinical testing. Allele origin: germline. Not counted in ClinVar's aggregate classification.